The following is an entry in ClinVar:

NM_001290043.2(TAP2):c.620C>T (p.Ala207Val)

Genes: TAP2 (transporter 2, ATP binding cassette subfamily B member; minus strand), LOC107648851 (meiotic recombination hotspot TAP2; plus strand). Cytogenetic location: 6p21.32.
Variant type: single nucleotide variant.
Coding change: c.620C>T on transcript NM_001290043.2 (MANE Select); coding-DNA position 620, C replaced by T.
Protein change: p.Ala207Val; replaces alanine 207 with valine.
Molecular consequence: missense variant.
Genome position (GRCh38, 1-based): chr6:32,835,762, G>A on the plus strand (C>T on the coding strand, the complement: TAP2 is on the minus strand). VCF-style: chr6-32835762-G-A. GRCh37 (hg19) VCF-style: chr6-32803539-G-A.
Other names: c.620C>T, p.Ala207Val (NM_000544.3, NM_018833.3); short protein forms A207V.
Identifiers: ClinVar variation 1932615 (VCV001932615.5), dbSNP rs2483046481, ClinGen allele CA363585409.

ClinVar aggregate classification (germline): Uncertain significance (1 of 4 stars; one submission).

Conditions:
MHC class I deficiency. Identifiers: Orphanet 34592, MedGen C6024714, MONDO:0011476.

Submission:

Labcorp Genetics (formerly Invitae), Labcorp
Classification: Uncertain significance for MHC class I deficiency 1. Last evaluated: 2023-11-27. Review status: criteria provided, single submitter. Criteria: Invitae Variant Classification Sherloc (09022015). Collection method: clinical testing. Allele origin: germline.
Comment: This sequence change replaces alanine, which is neutral and non-polar, with valine, which is neutral and non-polar, at codon 207 of the TAP2 protein (p.Ala207Val). This variant is not present in population databases (gnomAD no frequency). This variant has not been reported in the literature in individuals affected with TAP2-related conditions. ClinVar contains an entry for this variant (Variation ID: 1932615). Experimental studies and prediction algorithms are not available or were not evaluated, and the functional significance of this variant is currently unknown. In summary, the available evidence is currently insufficient to determine the role of this variant in disease. Therefore, it has been classified as a Variant of Uncertain Significance.